The following is an entry in ClinVar:

ClinVar aggregate classification (germline): Uncertain significance. Review status: criteria provided, multiple submitters, no conflicts (2 of 4 stars). 2 submissions from 2 submitters: Uncertain significance (2). Last evaluated 2025-08-23.

Conditions:
Inborn genetic diseases. Identifiers: MedGen C0950123, MeSH D030342.

Allele frequency attached by ClinVar (database versions not stated): gnomAD 0.00001; TOPMed 0.00002.
gnomAD v4.1: 13 of 1,580,466 alleles (0.00082%); highest among the groups gnomAD compares: Admixed American, 0.019%; no homozygotes.

Submissions (2):

Ambry Genetics
Classification: Uncertain significance for Inborn genetic diseases. Last evaluated: 2025-08-23. Review status: criteria provided, single submitter. Criteria: Ambry Variant Classification Scheme 2023. Collection method: clinical testing. Allele origin: germline.

Labcorp Genetics (formerly Invitae), Labcorp
Classification: Uncertain significance. Last evaluated: 2022-10-25. Review status: criteria provided, single submitter. Criteria: Invitae Variant Classification Sherloc (09022015). Collection method: clinical testing. Allele origin: germline.
Comment: This sequence change replaces threonine, which is neutral and polar, with isoleucine, which is neutral and non-polar, at codon 533 of the TUBGCP6 protein (p.Thr533Ile). This variant is present in population databases (rs775128324, gnomAD 0.03%). This variant has not been reported in the literature in individuals affected with TUBGCP6-related conditions. ClinVar contains an entry for this variant (Variation ID: 1496175). Algorithms developed to predict the effect of missense changes on protein structure and function are either unavailable or do not agree on the potential impact of this missense change (SIFT: "Tolerated"; PolyPhen-2: "Possibly Damaging"; Align-GVGD: "Class C0"). In summary, the available evidence is currently insufficient to determine the role of this variant in disease. Therefore, it has been classified as a Variant of Uncertain Significance.

NM_020461.4(TUBGCP6):c.1598C>T (p.Thr533Ile)

Gene: TUBGCP6 (tubulin gamma complex component 6; minus strand). Cytogenetic location: 22q13.33.
Variant type: single nucleotide variant.
Coding change: c.1598C>T on transcript NM_020461.4 (MANE Select); coding-DNA position 1598, C replaced by T.
Protein change: p.Thr533Ile; replaces threonine 533 with isoleucine.
Molecular consequence: missense variant.
Genome position (GRCh38, 1-based): chr22:50,226,736, G>A on the plus strand (C>T on the coding strand, the complement: TUBGCP6 is on the minus strand). VCF-style: chr22-50226736-G-A. GRCh37 (hg19) VCF-style: chr22-50665165-G-A.
Other names: c.1598C>T (NM_020461.3); short protein forms T533I.
Identifiers: ClinVar variation 1496175 (VCV001496175.4), dbSNP rs775128324, ClinGen allele CA10308615.